The following is an entry in ClinVar:

NM_001165963.4(SCN1A):c.4142C>A (p.Thr1381Asn)

Genes: SCN1A (sodium voltage-gated channel alpha subunit 1; minus strand), LOC102724058 (uncharacterized LOC102724058; plus strand). Cytogenetic location: 2q24.3.
Variant type: single nucleotide variant.
Coding change: c.4142C>A on transcript NM_001165963.4 (MANE Select); coding-DNA position 4142, C replaced by A.
Protein change: p.Thr1381Asn; replaces threonine 1381 with asparagine.
Molecular consequence: missense variant. On other transcripts: non-coding transcript variant (1).
Genome position (GRCh38, 1-based): chr2:166,002,614, G>T on the plus strand (C>A on the coding strand, the complement: SCN1A is on the minus strand). VCF-style: chr2-166002614-G-T. GRCh37 (hg19) VCF-style: chr2-166859124-G-T.
Other names: c.4142C>A (NM_001165963.1); c.4058C>A, p.Thr1353Asn (NM_001165964.3, NM_001353957.2, NM_001353958.2); c.4142C>A, p.Thr1381Asn (NM_001202435.3, NM_001353948.2); c.4109C>A, p.Thr1370Asn (NM_001353949.2, NM_001353950.2, NM_001353951.2 and 2 more transcripts); c.4106C>A, p.Thr1369Asn (NM_001353954.2, NM_001353955.2); c.4055C>A, p.Thr1352Asn (NM_001353960.2); c.1700C>A, p.Thr567Asn (NM_001353961.2); short protein forms T1352N, T1353N, T1369N, T1370N, T1381N, T567N.
Identifiers: ClinVar variation 3622598 (VCV003622598.4).

ClinVar aggregate classification (germline): Uncertain significance. Review status: criteria provided, multiple submitters, no conflicts (2 of 4 stars). 2 submissions from 2 submitters: Uncertain significance (2). Last evaluated 2026-01-15.

Conditions:
Early-infantile DEE. Also called: Early infantile epileptic encephalopathy with suppression bursts; Ohtahara syndrome; Early infantile epileptic encephalopathy. Identifiers: Orphanet 1934, MedGen C0393706, MONDO:0800491.

Submissions (2):

GeneDx
Classification: Uncertain significance. Last evaluated: 2026-01-15. Review status: criteria provided, single submitter. Criteria: GeneDx Variant Classification Process June 2021. Collection method: clinical testing. Allele origin: germline.
Comment: Not observed at significant frequency in large population cohorts (gnomAD); In silico analysis suggests that this missense variant does not alter protein structure/function; Has not been previously published as pathogenic or benign to our knowledge; This substitution is predicted to be within the extracellular loop between the S5 and S6 transmembrane segments of the third homologous domain

Labcorp Genetics (formerly Invitae), Labcorp
Classification: Uncertain significance for Early-infantile DEE. Last evaluated: 2024-05-20. Review status: criteria provided, single submitter. Criteria: Invitae Variant Classification Sherloc (09022015). Collection method: clinical testing. Allele origin: germline.
Comment: This sequence change replaces threonine, which is neutral and polar, with asparagine, which is neutral and polar, at codon 1381 of the SCN1A protein (p.Thr1381Asn). This variant is not present in population databases (gnomAD no frequency). This variant has not been reported in the literature in individuals affected with SCN1A-related conditions. Advanced modeling of protein sequence and biophysical properties (such as structural, functional, and spatial information, amino acid conservation, physicochemical variation, residue mobility, and thermodynamic stability) performed at Invitae indicates that this missense variant is not expected to disrupt SCN1A protein function with a negative predictive value of 95%. In summary, the available evidence is currently insufficient to determine the role of this variant in disease. Therefore, it has been classified as a Variant of Uncertain Significance.